The following is an entry in ClinVar:

NM_001097577.3(ANG):c.366G>A (p.Ala122=)

Genes: ANG (angiogenin; plus strand), EGILA (EGFR interacting lncRNA; minus strand), RNASE4 (ribonuclease A family member 4; plus strand). Cytogenetic location: 14q11.2.
Variant type: single nucleotide variant.
Coding change: c.366G>A on transcript NM_001097577.3 (MANE Select); coding-DNA position 366, G replaced by A.
Protein change: p.Ala122=; no amino-acid change (alanine 122 retained).
Molecular consequence: synonymous variant. On other transcripts: intron variant (4).
Genome position (GRCh38, 1-based): chr14:20,693,930, G>A. VCF-style: chr14-20693930-G-A. GRCh37 (hg19) VCF-style: chr14-21162089-G-A.
Other names: c.366G>A, p.Ala122= (NM_001145.4, NM_001385271.1, NM_001385272.1 and 2 more transcripts); c.-18+280G>A (NM_001282192.2); c.-17-5425G>A (NM_002937.5, NM_001282193.2); c.-18+5056G>A (NM_194431.3).
Identifiers: ClinVar variation 4822596 (VCV004822596.4).
Genomic context (GRCh38, chr14:20,693,930, plus strand): 5'-CACCACTTGCAAGCTACATGGAGGTTCCCCCTGGCCTCCATGCCAGTACCGAGCCACAGC[G>A]GGGTTCAGAAACGTTGTTGTTGCTTGTGAAAATGGCTTACCTGTCCACTTGGATCAGTCA-3'
Protein context (NP_001091046.1, residues 112-132): PWPPCQYRAT[Ala122=]GFRNVVVACE

ClinVar aggregate classification (germline): Likely benign (1 of 4 stars; one submission).

gnomAD v4.1: 10 of 1,614,086 alleles (0.00062%); highest among the groups gnomAD compares: South Asian, 0.0022%; no homozygotes.

Submission:

CeGaT Center for Human Genetics Tuebingen
Classification: Likely benign. Last evaluated: 2026-01-01. Review status: criteria provided, single submitter. Criteria: CeGaT Center For Human Genetics Tuebingen Variant Classification Criteria Version 2. Collection method: clinical testing. Allele origin: germline. Affected: yes. Observed: 1 variant allele.
Comment: ANG: BP4, BP7